The following is an entry in ClinVar:

NM_000057.4(BLM):c.4017G>A (p.Met1339Ile)

Gene: BLM (BLM RecQ like helicase; plus strand). Cytogenetic location: 15q26.1.
Variant type: single nucleotide variant.
Coding change: c.4017G>A on transcript NM_000057.4 (MANE Select); coding-DNA position 4017, G replaced by A.
Protein change: p.Met1339Ile; replaces methionine 1339 with isoleucine.
Molecular consequence: missense variant.
Genome position (GRCh38, 1-based): chr15:90,811,347, G>A. VCF-style: chr15-90811347-G-A. GRCh37 (hg19) VCF-style: chr15-91354577-G-A.
Other names: c.4017G>A, p.Met1339Ile (NM_001287246.2); c.3624G>A, p.Met1208Ile (NM_001287247.2); c.2892G>A, p.Met964Ile (NM_001287248.2); short protein forms M1339I, M1208I, M964I.
Identifiers: ClinVar variation 2186279 (VCV002186279.3), dbSNP rs1247422719, ClinGen allele CA393851276.
Genomic context (GRCh38, chr15:90,811,347, plus strand): 5'-ACCCGTATCTTCCCACTACTTTGCAAGTAAAACCAGAAATGAAAGGAAGAGGAAAAAGAT[G>A]CCAGCCTCCCAAAGGTCTAAGAGGAGAAAAACTGCTTCCAGTGGTTCCAAGGCAAAGGGG-3'
Protein context (NP_000048.1, residues 1329-1349): KTRNERKRKK[Met1339Ile]PASQRSKRRK

ClinVar aggregate classification (germline): Uncertain significance (1 of 4 stars; one submission).

Conditions:
Bloom syndrome (BLM). Also called: Bloom-Torre-Machacek syndrome. Identifiers: Orphanet 125, MedGen C0005859, MONDO:0008876, OMIM 210900.

Allele frequency attached by ClinVar (database versions not stated): gnomAD exomes 0.00001.

Submission:

Labcorp Genetics (formerly Invitae), Labcorp
Classification: Uncertain significance for Bloom syndrome. Last evaluated: 2025-10-05. Review status: criteria provided, single submitter. Criteria: Invitae Variant Classification Sherloc (09022015). Collection method: clinical testing. Allele origin: germline.
Comment: This sequence change replaces methionine, which is neutral and non-polar, with isoleucine, which is neutral and non-polar, at codon 1339 of the BLM protein (p.Met1339Ile). This variant is present in population databases (no rsID available, gnomAD 0.003%). This variant has not been reported in the literature in individuals affected with BLM-related conditions. ClinVar contains an entry for this variant (Variation ID: 2186279). Invitae Evidence Modeling of protein sequence and biophysical properties (such as structural, functional, and spatial information, amino acid conservation, physicochemical variation, residue mobility, and thermodynamic stability) indicates that this missense variant is not expected to disrupt BLM protein function with a negative predictive value of 80%. In summary, the available evidence is currently insufficient to determine the role of this variant in disease. Therefore, it has been classified as a Variant of Uncertain Significance.